The following is an entry in ClinVar:

ClinVar aggregate classification (germline): Uncertain significance (1 of 4 stars; one submission).

Conditions:
Diffuse cerebral and cerebellar atrophy - intractable seizures - progressive microcephaly syndrome. Also called: Microcephaly, progressive, with seizures and cerebral and cerebellar atrophy. Identifiers: Orphanet 404437, MedGen C4014239, MONDO:0014335, OMIM 615760.

gnomAD v4.1: 1 of 1,613,866 alleles (0.000062%); highest among the groups gnomAD compares: Admixed American, 0.0017%; no homozygotes.

Submission:

Labcorp Genetics (formerly Invitae), Labcorp
Classification: Uncertain significance for Diffuse cerebral and cerebellar atrophy - intractable seizures - progressive microcephaly syndrome. Last evaluated: 2021-08-31. Review status: criteria provided, single submitter. Criteria: Invitae Variant Classification Sherloc (09022015). Collection method: clinical testing. Allele origin: germline.
Comment: This sequence change replaces proline with histidine at codon 436 of the QARS protein (p.Pro436His). The proline residue is highly conserved and there is a moderate physicochemical difference between proline and histidine. This variant is not present in population databases (ExAC no frequency). This variant has not been reported in the literature in individuals affected with QARS-related conditions. Algorithms developed to predict the effect of missense changes on protein structure and function (SIFT, PolyPhen-2, Align-GVGD) all suggest that this variant is likely to be disruptive. In summary, the available evidence is currently insufficient to determine the role of this variant in disease. Therefore, it has been classified as a Variant of Uncertain Significance.

NM_005051.3(QARS1):c.1307C>A (p.Pro436His)

Gene: QARS1 (glutaminyl-tRNA synthetase 1; minus strand). Cytogenetic location: 3p21.31.
Variant type: single nucleotide variant.
Coding change: c.1307C>A on transcript NM_005051.3 (MANE Select); coding-DNA position 1307, C replaced by A.
Protein change: p.Pro436His; replaces proline 436 with histidine.
Molecular consequence: missense variant. On other transcripts: non-coding transcript variant (1).
Genome position (GRCh38, 1-based): chr3:49,099,842, G>T on the plus strand (C>A on the coding strand, the complement: QARS1 is on the minus strand). VCF-style: chr3-49099842-G-T. GRCh37 (hg19) VCF-style: chr3-49137275-G-T.
Other names: c.1274C>A, p.Pro425His (NM_001272073.2); short protein forms P425H, P436H.
Identifiers: ClinVar variation 1061990 (VCV001061990.2), dbSNP rs1456791515, ClinGen allele CA352708180.